The following is an entry in ClinVar:

NM_001127222.2(CACNA1A):c.3079C>G (p.Arg1027Gly)

Gene: CACNA1A (calcium voltage-gated channel subunit alpha1 A; minus strand). Cytogenetic location: 19p13.13.
Variant type: single nucleotide variant.
Coding change: c.3079C>G on transcript NM_001127222.2 (MANE Select); coding-DNA position 3079, C replaced by G.
Protein change: p.Arg1027Gly; replaces arginine 1027 with glycine.
Molecular consequence: missense variant.
Genome position (GRCh38, 1-based): chr19:13,298,554, G>C on the plus strand (C>G on the coding strand, the complement: CACNA1A is on the minus strand). VCF-style: chr19-13298554-G-C. GRCh37 (hg19) VCF-style: chr19-13409368-G-C.
Other names: c.3091C>G, p.Arg1031Gly (NM_000068.4, NM_023035.3); c.3082C>G, p.Arg1028Gly (NM_001127221.2, NM_001174080.2); short protein forms R1028G, R1027G, R1031G.
Identifiers: ClinVar variation 420304 (VCV000420304.11), dbSNP rs1064794406, ClinGen allele CA16620788.
Genomic context (GRCh38, chr19:13,298,554, plus strand): 5'-CATTATTAATGTTACCGTCATTCTGCGGATTCGAGGTCACCTCCACTTACTTCCTCCTCC[G>C]ATGCCTCCGCTCCTTGTCCTCCCTCCGCGCGTCCCCCTCGTACGTGGCTGGAGCGCCATG-3'
Protein context (NP_001120694.1, residues 1017-1037): ARREDKERRH[Arg1027Gly]RRKENQGSGV

ClinVar aggregate classification (germline): Uncertain significance. Review status: criteria provided, multiple submitters, no conflicts (2 of 4 stars). 2 submissions from 2 submitters: Uncertain significance (2). Last evaluated 2025-08-10.

Conditions:
Episodic ataxia type 2 (EA2). Also called: ATAXIA, EPISODIC, WITH NYSTAGMUS; ATAXIA, FAMILIAL PAROXYSMAL; CEREBELLAR ATAXIA, PAROXYSMAL, ACETAZOLAMIDE-RESPONSIVE; CEREBELLOPATHY, HEREDITARY PAROXYSMAL; EPISODIC ATAXIA, NYSTAGMUS-ASSOCIATED; ACETAZOLAMIDE-RESPONSIVE HEREDITARY PAROXYSMAL CEREBELLAR ATAXIA. Identifiers: Orphanet 97, MedGen C1720416, MONDO:0007163, OMIM 108500.
Developmental and epileptic encephalopathy, 42 (DEE42A). Also called: Epileptic encephalopathy, early infantile, 42; DEVELOPMENTAL AND EPILEPTIC ENCEPHALOPATHY 42A; EPILEPTIC ENCEPHALOPATHY, EARLY INFANTILE, 42A. Identifiers: MedGen C4310716, MONDO:0014917, OMIM 617106.

Allele frequency attached by ClinVar (database versions not stated): TOPMed below 0.00001.

Submissions (2):

GeneDx
Classification: Uncertain significance. Last evaluated: 2025-08-10. Review status: criteria provided, single submitter. Criteria: GeneDx Variant Classification Process June 2021. Collection method: clinical testing. Allele origin: germline. Affected: yes.
Comment: Not observed at significant frequency in large population cohorts (gnomAD); In silico analysis supports that this missense variant has a deleterious effect on protein structure/function; Has not been previously published as pathogenic or benign to our knowledge

Labcorp Genetics (formerly Invitae), Labcorp
Classification: Uncertain significance for Developmental and epileptic encephalopathy, 42; Episodic ataxia type 2. Last evaluated: 2021-11-02. Review status: criteria provided, single submitter. Criteria: Invitae Variant Classification Sherloc (09022015). Collection method: clinical testing. Allele origin: germline.
Comment: This sequence change replaces arginine, which is basic and polar, with glycine, which is neutral and non-polar, at codon 1028 of the CACNA1A protein (p.Arg1028Gly). This variant is not present in population databases (gnomAD no frequency). This variant has not been reported in the literature in individuals affected with CACNA1A-related conditions. ClinVar contains an entry for this variant (Variation ID: 420304). Advanced modeling of protein sequence and biophysical properties (such as structural, functional, and spatial information, amino acid conservation, physicochemical variation, residue mobility, and thermodynamic stability) performed at Invitae indicates that this missense variant is not expected to disrupt CACNA1A protein function. In summary, the available evidence is currently insufficient to determine the role of this variant in disease. Therefore, it has been classified as a Variant of Uncertain Significance.